The following is an entry in ClinVar:

NM_139278.4(LGI3):c.271C>T (p.Gln91Ter)

Gene: LGI3 (leucine rich repeat LGI family member 3; minus strand). Cytogenetic location: 8p21.3.
Variant type: single nucleotide variant.
Coding change: c.271C>T on transcript NM_139278.4 (MANE Select); coding-DNA position 271, C replaced by T.
Protein change: p.Gln91Ter; replaces glutamine 91 with a stop codon.
Molecular consequence: nonsense.
Genome position (GRCh38, 1-based): chr8:22,155,399, G>A on the plus strand (C>T on the coding strand, the complement: LGI3 is on the minus strand). VCF-style: chr8-22155399-G-A. GRCh37 (hg19) VCF-style: chr8-22012912-G-A.
Other names: short protein forms Q91*.
Identifiers: ClinVar variation 2430614 (VCV002430614.1), dbSNP rs2538921516, ClinGen allele CA370533939.

ClinVar aggregate classification (germline): Pathogenic (1 of 4 stars; one submission).

Submission:

GeneDx
Classification: Pathogenic. Last evaluated: 2023-02-13. Review status: criteria provided, single submitter. Criteria: GeneDx Variant Classification Process June 2021. Collection method: clinical testing. Allele origin: germline. Affected: yes.
Comment: Nonsense variant predicted to result in protein truncation or nonsense mediated decay in a gene for which loss of function is a known mechanism of disease; Not observed at significant frequency in large population cohorts (gnomAD); Has not been previously published as pathogenic or benign to our knowledge